The following is an entry in ClinVar:

ClinVar aggregate classification (germline): Uncertain significance (1 of 4 stars; one submission).

Submission:

Labcorp Genetics (formerly Invitae), Labcorp
Classification: Uncertain significance. Last evaluated: 2023-04-18. Review status: criteria provided, single submitter. Criteria: Invitae Variant Classification Sherloc (09022015). Collection method: clinical testing. Allele origin: germline.
Comment: In summary, the available evidence is currently insufficient to determine the role of this variant in disease. Therefore, it has been classified as a Variant of Uncertain Significance. Experimental studies and prediction algorithms are not available or were not evaluated, and the functional significance of this variant is currently unknown. This variant has not been reported in the literature in individuals affected with CACNA1D-related conditions. This variant is not present in population databases (gnomAD no frequency). This variant, c.5830_5835del, results in the deletion of 2 amino acid(s) of the CACNA1D protein (p.Asn1944_Phe1945del), but otherwise preserves the integrity of the reading frame.

NM_001128840.3(CACNA1D):c.5770_5775del (p.Asn1924_Phe1925del)

Gene: CACNA1D (calcium voltage-gated channel subunit alpha1 D; plus strand). Cytogenetic location: 3p21.1.
Variant type: Deletion.
Coding change: c.5770_5775del on transcript NM_001128840.3 (MANE Select); coding-DNA positions 5770 to 5775, 6 bases deleted (AACTTT; older notation c.5770_5775delAACTTT).
Protein change: p.Asn1924_Phe1925del.
Molecular consequence: inframe deletion.
Genome position (GRCh38, 1-based): chr3:53,808,669-53,808,674, AACTTT deleted. VCF-style (leftmost placement, unchanged base first): chr3-53808668-CAACTTT-C. GRCh37 (hg19) VCF-style: chr3-53842695-CAACTTT-C.
Other names: c.5830_5835del, p.Asn1944_Phe1945del (NM_000720.4); c.5698_5703del, p.Asn1900_Phe1901del (NM_001128839.3).
Identifiers: ClinVar variation 2857342 (VCV002857342.3), dbSNP rs2474544644, ClinGen allele CA2500109027.